The following is an entry in ClinVar:

NM_001012301.4(ARSI):c.1628G>A (p.Arg543His)

Gene: ARSI (arylsulfatase family member I; minus strand). Cytogenetic location: 5q32.
Variant type: single nucleotide variant.
Coding change: c.1628G>A on transcript NM_001012301.4 (MANE Select); coding-DNA position 1628, G replaced by A.
Protein change: p.Arg543His; replaces arginine 543 with histidine.
Molecular consequence: missense variant.
Genome position (GRCh38, 1-based): chr5:150,297,296, C>T on the plus strand (G>A on the coding strand, the complement: ARSI is on the minus strand). VCF-style: chr5-150297296-C-T. GRCh37 (hg19) VCF-style: chr5-149676859-C-T.
Other names: c.1628G>A (NM_001012301.2); short protein forms R543H.
Identifiers: ClinVar variation 1486291 (VCV001486291.10), dbSNP rs752677006, ClinGen allele CA3510034.

ClinVar aggregate classification (germline): Uncertain significance. Review status: criteria provided, multiple submitters, no conflicts (2 of 4 stars). 2 submissions from 2 submitters: Uncertain significance (2). Last evaluated 2025-08-13.

Conditions:
Spastic paraplegia. Identifiers: MedGen C0037772, HP:0001258.

Allele frequency attached by ClinVar (database versions not stated): gnomAD 0.00001; gnomAD exomes 0.00001 and 0.00002; ExAC 0.00003; TOPMed 0.00003.
gnomAD v4.1: 23 of 1,611,000 alleles (0.0014%); highest among the groups gnomAD compares: East Asian, 0.016%; no homozygotes.

Submissions (2):

Ambry Genetics
Classification: Uncertain significance. Last evaluated: 2025-08-13. Review status: criteria provided, single submitter. Criteria: Ambry Variant Classification Scheme 2023. Collection method: clinical testing. Allele origin: germline.

Labcorp Genetics (formerly Invitae), Labcorp
Classification: Uncertain significance for Spastic paraplegia. Last evaluated: 2021-09-26. Review status: criteria provided, single submitter. Criteria: Invitae Variant Classification Sherloc (09022015). Collection method: clinical testing. Allele origin: germline.
Comment: Algorithms developed to predict the effect of missense changes on protein structure and function output the following: SIFT: "Tolerated"; PolyPhen-2: "Benign"; Align-GVGD: "Class C0". The histidine amino acid residue is found in multiple mammalian species, which suggests that this missense change does not adversely affect protein function. In summary, the available evidence is currently insufficient to determine the role of this variant in disease. Therefore, it has been classified as a Variant of Uncertain Significance. This variant has not been reported in the literature in individuals affected with ARSI-related conditions. This variant is present in population databases (rs752677006, ExAC 0.01%). This sequence change replaces arginine with histidine at codon 543 of the ARSI protein (p.Arg543His). The arginine residue is moderately conserved and there is a small physicochemical difference between arginine and histidine.